The following is an entry in ClinVar:

NM_201384.3(PLEC):c.11122C>G (p.Gln3708Glu)

Gene: PLEC (plectin; minus strand). Cytogenetic location: 8q24.3.
Variant type: single nucleotide variant.
Coding change: c.11122C>G on transcript NM_201384.3 (MANE Select); coding-DNA position 11122, C replaced by G.
Protein change: p.Gln3708Glu; replaces glutamine 3708 with glutamic acid.
Molecular consequence: missense variant.
Genome position (GRCh38, 1-based): chr8:143,918,699, G>C on the plus strand (C>G on the coding strand, the complement: PLEC is on the minus strand). VCF-style: chr8-143918699-G-C. GRCh37 (hg19) VCF-style: chr8-144992867-G-C.
Other names: p.Gln3735Glu; c.11134C>G, p.Gln3712Glu (NM_201383.3); c.11203C>G (NM_000445.4); c.11203C>G, p.Gln3735Glu (NM_000445.5); c.7822C>G, p.Gln2608Glu (NM_001410941.1); c.11080C>G, p.Gln3694Glu (NM_201378.4); c.11056C>G, p.Gln3686Glu (NM_201379.3); c.11533C>G, p.Gln3845Glu (NM_201380.4); and 2 more; short protein forms Q2608E, Q3676E, Q3708E, Q3694E, Q3735E, Q3686E, Q3712E, Q3845E.
Identifiers: ClinVar variation 2938305 (VCV002938305.6), dbSNP rs1437205283, ClinGen allele CA372494334.

ClinVar aggregate classification (germline): Uncertain significance. Review status: criteria provided, multiple submitters, no conflicts (2 of 4 stars). 4 submissions from 4 submitters: Uncertain significance (4). Last evaluated 2025-12-14.

Conditions:
PLEC-related disorder. Also called: PLEC-related condition; PLEC-related disorders.
Epidermolysis bullosa simplex, Ogna type (EBS5A). Also called: Pidermolysis bullosa simplex 5A, Ogna type; EPIDERMOLYSIS BULLOSA SIMPLEX 5A, OGNA TYPE. Identifiers: Orphanet 79401, MedGen C0432317, MONDO:0007555, OMIM 131950.
Autosomal recessive limb-girdle muscular dystrophy type 2Q (LGMDR17). Also called: MUSCULAR DYSTROPHY, LIMB-GIRDLE, AUTOSOMAL RECESSIVE 17. Identifiers: Orphanet 254361, MedGen C3150989, MONDO:0013390, OMIM 613723.
Epidermolysis bullosa simplex with nail dystrophy (EBS5D). Identifiers: MedGen C4225309, MONDO:0014661, OMIM 616487.
Epidermolysis bullosa simplex 5C, with pyloric atresia (EBS5C). Also called: PLEC-Related Epidermolysis Bullosa with Pyloric Atresia; Epidermolysis bullosa simplex with pyloric atresia; PLEC1-Related Epidermolysis Bullosa with Pyloric Atresia. Identifiers: Orphanet 158684, MedGen C2677349, MONDO:0012807, OMIM 612138.
Epidermolysis bullosa simplex 5B, with muscular dystrophy (EBS5B). Also called: Epidermolysis bullosa simplex with muscular dystrophy; EPIDERMOLYSIS BULLOSA SIMPLEX AND LIMB-GIRDLE MUSCULAR DYSTROPHY. Identifiers: Orphanet 257, MedGen C2931072, MONDO:0009181, OMIM 226670.

Allele frequency attached by ClinVar (database versions not stated): gnomAD exomes 0.00001; gnomAD 0.00002; TOPMed 0.00002.
gnomAD v4.1: 19 of 1,612,848 alleles (0.0012%); highest among the groups gnomAD compares: Non-Finnish European, 0.0016%; no homozygotes.

Submissions (4):

Labcorp Genetics (formerly Invitae), Labcorp
Classification: Uncertain significance for Autosomal recessive limb-girdle muscular dystrophy type 2Q; Epidermolysis bullosa simplex, Ogna type; Epidermolysis bullosa simplex with nail dystrophy; Epidermolysis bullosa simplex 5C, with pyloric atresia; Epidermolysis bullosa simplex 5B, with muscular dystrophy. Last evaluated: 2025-12-14. Review status: criteria provided, single submitter. Criteria: Invitae Variant Classification Sherloc (09022015). Collection method: clinical testing. Allele origin: germline.
Comment: This sequence change replaces glutamine, which is neutral and polar, with glutamic acid, which is acidic and polar, at codon 3735 of the PLEC protein (p.Gln3735Glu). This variant is present in population databases (no rsID available, gnomAD 0.0009%). This variant has not been reported in the literature in individuals affected with PLEC-related conditions. ClinVar contains an entry for this variant (Variation ID: 2938305). An algorithm developed to predict the effect of missense changes on protein structure and function (PolyPhen-2) suggests that this variant is likely to be disruptive. In summary, the available evidence is currently insufficient to determine the role of this variant in disease. Therefore, it has been classified as a Variant of Uncertain Significance.

PreventionGenetics, part of Exact Sciences
Classification: Uncertain significance for PLEC-related condition. Last evaluated: 2025-08-11. Review status: criteria provided, single submitter. Criteria: ACMG Guidelines, 2015. Collection method: clinical testing. Allele origin: germline.
Comment: The PLEC c.11203C>G variant is predicted to result in the amino acid substitution p.Gln3735Glu. To our knowledge, this variant has not been reported in the literature. This variant is reported in 0.00091% of alleles in individuals of European (non-Finnish) descent in gnomAD. At this time, the clinical significance of this variant is uncertain due to the absence of conclusive functional and genetic evidence.

Women's Health and Genetics/Laboratory Corporation of America, LabCorp
Classification: Uncertain significance. Last evaluated: 2024-11-11. Review status: criteria provided, single submitter. Criteria: LabCorp Variant Classification Summary - May 2015. Collection method: clinical testing. Allele origin: germline.
Comment: Variant summary: PLEC c.11203C>G (p.Gln3735Glu) results in a conservative amino acid change in the encoded protein sequence. Three of five in-silico tools predict a benign effect of the variant on protein function. The variant allele was found at a frequency of 4.1e-06 in 245592 control chromosomes. The available data on variant occurrences in the general population are insufficient to allow any conclusion about variant significance. To our knowledge, no occurrence of c.11203C>G in individuals affected with PLEC-Related Disorders and no experimental evidence demonstrating its impact on protein function have been reported. ClinVar contains an entry for this variant (Variation ID: 2938305). Based on the evidence outlined above, the variant was classified as uncertain significance.

Mayo Clinic Laboratories, Mayo Clinic
Classification: Uncertain significance. Last evaluated: 2023-07-10. Review status: criteria provided, single submitter. Criteria: ACMG Guidelines, 2015. Collection method: clinical testing. Allele origin: germline. Observed: 1 variant allele.
Comment: BP4